The following is an entry in ClinVar:

NM_006265.3(RAD21):c.85delinsCCT (p.Lys29fs)

Gene: RAD21 (RAD21 cohesin complex component; minus strand). Cytogenetic location: 8q24.11.
Variant type: Indel.
Coding change: c.85delinsCCT on transcript NM_006265.3 (MANE Select); coding-DNA position 85, A replaced by CCT.
Protein change: p.Lys29fs; shifts the reading frame from lysine 29.
Molecular consequence: frameshift variant.
Genome position (GRCh38, 1-based): chr8:116,866,645, T replaced by AGG on the plus strand (A replaced by CCT on the coding strand, the reverse complement: RAD21 is on the minus strand). VCF-style: chr8-116866645-T-AGG. GRCh37 (hg19) VCF-style: chr8-117878884-T-AGG.
Other names: short protein forms K29fs.
Identifiers: ClinVar variation 1034259 (VCV001034259.1), dbSNP rs1812700165, ClinGen allele CA1813513440.

ClinVar aggregate classification (germline): Pathogenic (1 of 4 stars; one submission).

Conditions:
Cornelia de Lange syndrome 4 (CDLS4). Also called: CORNELIA DE LANGE SYNDROME 4 WITH OR WITHOUT MIDLINE BRAIN DEFECTS; RAD21-Related Cornelia de Lange Syndrome. Identifiers: Orphanet 199, MedGen C3553517, MONDO:0013864, OMIM 614701.

Submission:

Baylor Genetics
Classification: Pathogenic for Cornelia de Lange syndrome 4. Last evaluated: 2018-10-08. Review status: criteria provided, single submitter. Criteria: ACMG Guidelines, 2015. Collection method: clinical testing. Allele origin: unknown. Affected: yes.
Comment: This variant was determined to be pathogenic according to ACMG Guidelines, 2015 [PMID:25741868].